The following is an entry in ClinVar:

NM_001110556.2(FLNA):c.5146del (p.Gln1716fs)

Gene: FLNA (filamin A; minus strand). Cytogenetic location: Xq28.
Variant type: Deletion.
Coding change: c.5146del on transcript NM_001110556.2 (MANE Select); coding-DNA position 5146, one base deleted (C; older notation c.5146delC).
Protein change: p.Gln1716fs; shifts the reading frame from glutamine 1716.
Molecular consequence: frameshift variant.
Genome position (GRCh38, 1-based): chrX:154,354,896, G deleted on the plus strand (C on the coding strand, the reverse complement: FLNA is on the minus strand); the first of 6 consecutive G bases (chrX:154,354,896-154,354,901); deleting any one gives the same sequence. VCF-style (leftmost placement, unchanged base first): chrX-154354895-TG-T. GRCh37 (hg19) VCF-style: chrX-153583263-TG-T.
Other names: c.5122del, p.Gln1708fs (NM_001456.4); short protein forms Q1708fs, Q1716fs.
Identifiers: ClinVar variation 1073243 (VCV001073243.8), dbSNP rs1557176615, ClinGen allele CA519707323.

ClinVar aggregate classification (germline): Pathogenic (1 of 4 stars; one submission).

Conditions:
Heterotopia, periventricular, X-linked dominant (PVNH1). Also called: PERIVENTRICULAR NODULAR HETEROTOPIA 1; X-linked periventricular heterotopia; PERIVENTRICULAR NODULAR HETEROTOPIA 4; HETEROTOPIA, PERIVENTRICULAR, 1. Identifiers: Orphanet 2149, Orphanet 82004, MedGen C1848213, MONDO:0010233, OMIM 300049.
Oto-palato-digital syndrome, type II (OPD2). Also called: OPD II SYNDROME; FACIOPALATOOSSEOUS SYNDROME; Otopalatodigital Syndrome, Type II; Otopalatodigital Syndrome Type 2 (FLNA-OPD2). Identifiers: Orphanet 669, Orphanet 90652, MedGen C1844696, MONDO:0010571, OMIM 304120.
Melnick-Needles syndrome (MNS). Also called: MELNICK-NEEDLES OSTEODYSPLASTY; OSTEODYSPLASTY OF MELNICK AND NEEDLES; Melnick-Needles Syndrome (FLNA-MNS). Identifiers: Orphanet 2484, MedGen C0025237, MONDO:0010650, OMIM 309350.
Frontometaphyseal dysplasia (FMD1). Identifiers: Orphanet 1826, MedGen C0265293, MONDO:0015942.

Submission:

Labcorp Genetics (formerly Invitae), Labcorp
Classification: Pathogenic for Oto-palato-digital syndrome, type II; Heterotopia, periventricular, X-linked dominant; Frontometaphyseal dysplasia; Melnick-Needles syndrome. Last evaluated: 2022-09-27. Review status: criteria provided, single submitter. Criteria: Invitae Variant Classification Sherloc (09022015). Collection method: clinical testing. Allele origin: germline.
Comment: This sequence change creates a premature translational stop signal (p.Gln1708Serfs*23) in the FLNA gene. It is expected to result in an absent or disrupted protein product. Loss-of-function variants in FLNA are known to be pathogenic (PMID: 16684786, 20730588, 26471271). This variant is not present in population databases (gnomAD no frequency). This variant has not been reported in the literature in individuals affected with FLNA-related conditions. ClinVar contains an entry for this variant (Variation ID: 1073243). For these reasons, this variant has been classified as Pathogenic.

Literature cited by the submitters: PubMed 16684786; PubMed 20730588; PubMed 26471271.